The following is an entry in ClinVar:

NM_000051.4(ATM):c.7657C>G (p.Pro2553Ala)

Genes: ATM (ATM serine/threonine kinase; plus strand), C11orf65 (chromosome 11 open reading frame 65; minus strand). Cytogenetic location: 11q22.3.
Variant type: single nucleotide variant.
Coding change: c.7657C>G on transcript NM_000051.4 (MANE Select); coding-DNA position 7657, C replaced by G.
Protein change: p.Pro2553Ala; replaces proline 2553 with alanine.
Molecular consequence: missense variant. On other transcripts: intron variant (2).
Genome position (GRCh38, 1-based): chr11:108,331,906, C>G. VCF-style: chr11-108331906-C-G. GRCh37 (hg19) VCF-style: chr11-108202633-C-G.
Other names: c.7657C>G, p.Pro2553Ala (NM_001351834.2); c.641-22835G>C (NM_001330368.2); c.*38+3314G>C (NM_001351110.2); short protein forms P2553A.
Identifiers: ClinVar variation 1759998 (VCV001759998.7), dbSNP rs1555124475, ClinGen allele CA382560946.

ClinVar aggregate classification (germline): Uncertain significance. Review status: criteria provided, multiple submitters, no conflicts (2 of 4 stars). 2 submissions from 2 submitters: Uncertain significance (2). Last evaluated 2025-04-02.

Conditions:
Hereditary cancer-predisposing syndrome. Also called: Hereditary neoplastic syndrome; Neoplastic Syndromes, Hereditary; Tumor predisposition; Hereditary Cancer Syndrome. Identifiers: Orphanet 140162, MedGen C0027672, MeSH D009386, MONDO:0015356.
Ataxia-telangiectasia syndrome (AT). Also called: Ataxia telangiectasia (A-T); LOUIS-BAR SYNDROME; Cerebello-oculocutaneous telangiectasia; Immunodeficiency with ataxia telangiectasia; Ataxia-telangiectasia, complementation group D; AT, COMPLEMENTATION GROUP C. Identifiers: Orphanet 100, MedGen C0004135, MONDO:0008840, OMIM 208900.

Submissions (2):

Labcorp Genetics (formerly Invitae), Labcorp
Classification: Uncertain significance for Ataxia-telangiectasia syndrome. Last evaluated: 2025-04-02. Review status: criteria provided, single submitter. Criteria: Invitae Variant Classification Sherloc (09022015). Collection method: clinical testing. Allele origin: germline.
Comment: This sequence change replaces proline, which is neutral and non-polar, with alanine, which is neutral and non-polar, at codon 2553 of the ATM protein (p.Pro2553Ala). This variant is not present in population databases (gnomAD no frequency). This variant has not been reported in the literature in individuals affected with ATM-related conditions. ClinVar contains an entry for this variant (Variation ID: 1759998). Invitae Evidence Modeling of protein sequence and biophysical properties (such as structural, functional, and spatial information, amino acid conservation, physicochemical variation, residue mobility, and thermodynamic stability) has been performed for this missense variant. However, the output from this modeling did not meet the statistical confidence thresholds required to predict the impact of this variant on ATM protein function. In summary, the available evidence is currently insufficient to determine the role of this variant in disease. Therefore, it has been classified as a Variant of Uncertain Significance.

Ambry Genetics
Classification: Uncertain significance for Hereditary cancer-predisposing syndrome. Last evaluated: 2022-10-17. Review status: criteria provided, single submitter. Criteria: Ambry Variant Classification Scheme 2023. Collection method: clinical testing. Allele origin: germline.
Comment: The p.P2553A variant (also known as c.7657C>G), located in coding exon 51 of the ATM gene, results from a C to G substitution at nucleotide position 7657. The proline at codon 2553 is replaced by alanine, an amino acid with highly similar properties. This amino acid position is conserved. In addition, this alteration is predicted to be deleterious by in silico analysis. Since supporting evidence is limited at this time, the clinical significance of this alteration remains unclear.